The following is an entry in ClinVar:

NM_032888.4(COL27A1):c.4193C>G (p.Ser1398Trp)

Genes: COL27A1 (collagen type XXVII alpha 1 chain; plus strand), LOC126860736 (MED14-independent group 3 enhancer GRCh37_chr9:117050487-117051686; plus strand). Cytogenetic location: 9q32.
Variant type: single nucleotide variant.
Coding change: c.4193C>G on transcript NM_032888.4 (MANE Select); coding-DNA position 4193, C replaced by G.
Protein change: p.Ser1398Trp; replaces serine 1398 with tryptophan.
Molecular consequence: missense variant.
Genome position (GRCh38, 1-based): chr9:114,289,282, C>G. VCF-style: chr9-114289282-C-G. GRCh37 (hg19) VCF-style: chr9-117051562-C-G.
Other names: short protein forms S1398W.
Identifiers: ClinVar variation 2157672 (VCV002157672.1), dbSNP rs199641806, ClinGen allele CA5202848.

ClinVar aggregate classification (germline): Uncertain significance (1 of 4 stars; one submission).

Allele frequency attached by ClinVar (database versions not stated): gnomAD 0.00005; TOPMed 0.00008; 1000 Genomes Project 30x 0.00016; 1000 Genomes Project 0.00020; ExAC 0.00023.
gnomAD v4.1: 185 of 1,592,552 alleles (0.012%); highest among the groups gnomAD compares: Non-Finnish European, 0.015%; no homozygotes.

Submission:

Labcorp Genetics (formerly Invitae), Labcorp
Classification: Uncertain significance. Last evaluated: 2022-07-09. Review status: criteria provided, single submitter. Criteria: Invitae Variant Classification Sherloc (09022015). Collection method: clinical testing. Allele origin: germline.
Comment: This sequence change replaces serine, which is neutral and polar, with tryptophan, which is neutral and slightly polar, at codon 1398 of the COL27A1 protein (p.Ser1398Trp). This variant is present in population databases (rs199641806, gnomAD 0.01%). This variant has not been reported in the literature in individuals affected with COL27A1-related conditions. Advanced modeling of protein sequence and biophysical properties (such as structural, functional, and spatial information, amino acid conservation, physicochemical variation, residue mobility, and thermodynamic stability) performed at Invitae indicates that this missense variant is not expected to disrupt COL27A1 protein function. In summary, the available evidence is currently insufficient to determine the role of this variant in disease. Therefore, it has been classified as a Variant of Uncertain Significance.